The following is an entry in ClinVar:

ClinVar aggregate classification (germline): Uncertain significance (1 of 4 stars; one submission).

Allele frequency attached by ClinVar (database versions not stated): gnomAD 0.00001.
gnomAD v4.1: 3 of 1,613,754 alleles (0.00019%); highest among the groups gnomAD compares: East Asian, 0.0022%; no homozygotes.

Submission:

Labcorp Genetics (formerly Invitae), Labcorp
Classification: Uncertain significance. Last evaluated: 2025-01-27. Review status: criteria provided, single submitter. Criteria: Invitae Variant Classification Sherloc (09022015). Collection method: clinical testing. Allele origin: germline.
Comment: This sequence change replaces isoleucine, which is neutral and non-polar, with threonine, which is neutral and polar, at codon 564 of the IARS2 protein (p.Ile564Thr). This variant is present in population databases (no rsID available, gnomAD 0.006%). This variant has not been reported in the literature in individuals affected with IARS2-related conditions. ClinVar contains an entry for this variant (Variation ID: 1956119). An algorithm developed to predict the effect of missense changes on protein structure and function (PolyPhen-2) suggests that this variant is likely to be tolerated. In summary, the available evidence is currently insufficient to determine the role of this variant in disease. Therefore, it has been classified as a Variant of Uncertain Significance.

NM_018060.4(IARS2):c.1691T>C (p.Ile564Thr)

Gene: IARS2 (isoleucyl-tRNA synthetase 2, mitochondrial; plus strand). Cytogenetic location: 1q41.
Variant type: single nucleotide variant.
Coding change: c.1691T>C on transcript NM_018060.4 (MANE Select); coding-DNA position 1691, T replaced by C.
Protein change: p.Ile564Thr; replaces isoleucine 564 with threonine.
Molecular consequence: missense variant.
Genome position (GRCh38, 1-based): chr1:220,125,287, T>C. VCF-style: chr1-220125287-T-C. GRCh37 (hg19) VCF-style: chr1-220298629-T-C.
Other names: short protein forms I564T.
Identifiers: ClinVar variation 1956119 (VCV001956119.5), dbSNP rs1420805866, ClinGen allele CA344638850.